The following is an entry in ClinVar:

ClinVar aggregate classification (germline): Uncertain significance. Review status: criteria provided, multiple submitters, no conflicts (2 of 4 stars). 2 submissions from 2 submitters: Uncertain significance (2). Last evaluated 2023-06-20.

Conditions:
Rienhoff syndrome. Also called: LOEYS-DIETZ SYNDROME 5. Identifiers: MedGen C3810012, MONDO:0014262, OMIM 615582.

Allele frequency attached by ClinVar (database versions not stated): gnomAD exomes below 0.00001.
gnomAD v4.1: 2 of 1,614,100 alleles (0.00012%); highest among the groups gnomAD compares: Non-Finnish European, 0.00017%; no homozygotes.

Submissions (2):

GeneDx
Classification: Uncertain significance. Last evaluated: 2023-06-20. Review status: criteria provided, single submitter. Criteria: GeneDx Variant Classification Process June 2021. Collection method: clinical testing. Allele origin: germline. Affected: yes.
Comment: Not observed at significant frequency in large population cohorts (gnomAD); In silico analysis supports that this missense variant has a deleterious effect on protein structure/function; Has not been previously published as pathogenic or benign to our knowledge

Labcorp Genetics (formerly Invitae), Labcorp
Classification: Uncertain significance for Rienhoff syndrome. Last evaluated: 2022-04-21. Review status: criteria provided, single submitter. Criteria: Invitae Variant Classification Sherloc (09022015). Collection method: clinical testing. Allele origin: germline.
Comment: This sequence change replaces valine, which is neutral and non-polar, with alanine, which is neutral and non-polar, at codon 208 of the TGFB3 protein (p.Val208Ala). This variant is not present in population databases (gnomAD no frequency). This variant has not been reported in the literature in individuals affected with TGFB3-related conditions. Algorithms developed to predict the effect of missense changes on protein structure and function are either unavailable or do not agree on the potential impact of this missense change (SIFT: "Deleterious"; PolyPhen-2: "Probably Damaging"; Align-GVGD: "Class C0"). In summary, the available evidence is currently insufficient to determine the role of this variant in disease. Therefore, it has been classified as a Variant of Uncertain Significance.

NM_003239.5(TGFB3):c.623T>C (p.Val208Ala)

Gene: TGFB3 (transforming growth factor beta 3; minus strand). Cytogenetic location: 14q24.3.
Variant type: single nucleotide variant.
Coding change: c.623T>C on transcript NM_003239.5 (MANE Select); coding-DNA position 623, T replaced by C.
Protein change: p.Val208Ala; replaces valine 208 with alanine.
Molecular consequence: missense variant.
Genome position (GRCh38, 1-based): chr14:75,971,149, A>G on the plus strand (T>C on the coding strand, the complement: TGFB3 is on the minus strand). VCF-style: chr14-75971149-A-G. GRCh37 (hg19) VCF-style: chr14-76437492-A-G.
Other names: c.623T>C, p.Val208Ala (NM_001329938.2, NM_001329939.2); short protein forms V208A.
Identifiers: ClinVar variation 1966109 (VCV001966109.4), dbSNP rs2504110473, ClinGen allele CA390469430.